The following is an entry in ClinVar:

NM_001330260.2(SCN8A):c.5564T>A (p.Val1855Asp)

Gene: SCN8A (sodium voltage-gated channel alpha subunit 8; plus strand). Cytogenetic location: 12q13.13.
Variant type: single nucleotide variant.
Coding change: c.5564T>A on transcript NM_001330260.2 (MANE Select); coding-DNA position 5564, T replaced by A.
Protein change: p.Val1855Asp; replaces valine 1855 with aspartic acid.
Molecular consequence: missense variant.
Genome position (GRCh38, 1-based): chr12:51,807,050, T>A. VCF-style: chr12-51807050-T-A. GRCh37 (hg19) VCF-style: chr12-52200834-T-A.
Other names: c.5441T>A, p.Val1814Asp (NM_001177984.3, NM_001369788.1); c.5564T>A, p.Val1855Asp (NM_014191.4); short protein forms V1814D, V1855D.
Identifiers: ClinVar variation 1315611 (VCV001315611.2), dbSNP rs2138943984, ClinGen allele CA384887577.
Genomic context (GRCh38, chr12:51,807,050, plus strand): 5'-CAATGGTGAGCGGGGATCGCATCCACTGCTTGGACATCCTTTTTGCCTTCACCAAGCGGG[T>A]CCTGGGAGATAGCGGGGAGTTGGACATCCTGCGGCAGCAGATGGAAGAGCGGTTCGTGGC-3'
Protein context (NP_001317189.1, residues 1845-1865): LDILFAFTKR[Val1855Asp]LGDSGELDIL

ClinVar aggregate classification (germline): Uncertain significance (1 of 4 stars; one submission).

Submission:

GeneDx
Classification: Uncertain significance. Last evaluated: 2019-11-06. Review status: criteria provided, single submitter. Criteria: GeneDx Variant Classification Process June 2021. Collection method: clinical testing. Allele origin: germline. Affected: yes.
Comment: Not observed in large population cohorts (Lek et al., 2016); The majority of missense variants in this gene are considered pathogenic (Stenson et al., 2014); In silico analysis, which includes protein predictors and evolutionary conservation, supports a deleterious effect; Has not been previously published as pathogenic or benign to our knowledge; This substitution is predicted to be within the C-terminal cytoplasmic domain